The following is an entry in ClinVar:

ClinVar aggregate classification (germline): Uncertain significance (1 of 4 stars; one submission).

Conditions:
Autosomal recessive severe congenital neutropenia due to CSF3R deficiency. Also called: Neutropenia, severe congenital, 7, autosomal recessive. Identifiers: Orphanet 420702, MedGen C4310764, MONDO:0014865, OMIM 617014.

Submission:

Labcorp Genetics (formerly Invitae), Labcorp
Classification: Uncertain significance for Autosomal recessive severe congenital neutropenia due to CSF3R deficiency. Last evaluated: 2024-11-11. Review status: criteria provided, single submitter. Criteria: Invitae Variant Classification Sherloc (09022015). Collection method: clinical testing. Allele origin: germline.
Comment: This sequence change replaces serine, which is neutral and polar, with proline, which is neutral and non-polar, at codon 515 of the CSF3R protein (p.Ser515Pro). This variant is present in population databases (rs377381632, gnomAD 0.002%). This variant has not been reported in the literature in individuals affected with CSF3R-related conditions. Invitae Evidence Modeling of protein sequence and biophysical properties (such as structural, functional, and spatial information, amino acid conservation, physicochemical variation, residue mobility, and thermodynamic stability) indicates that this missense variant is not expected to disrupt CSF3R protein function with a negative predictive value of 80%. In summary, the available evidence is currently insufficient to determine the role of this variant in disease. Therefore, it has been classified as a Variant of Uncertain Significance.

NM_000760.4(CSF3R):c.1543T>C (p.Ser515Pro)

Gene: CSF3R (colony stimulating factor 3 receptor; minus strand). Cytogenetic location: 1p34.3.
Variant type: single nucleotide variant.
Coding change: c.1543T>C on transcript NM_000760.4 (MANE Select); coding-DNA position 1543, T replaced by C.
Protein change: p.Ser515Pro; replaces serine 515 with proline.
Molecular consequence: missense variant.
Genome position (GRCh38, 1-based): chr1:36,469,189, A>G on the plus strand (T>C on the coding strand, the complement: CSF3R is on the minus strand). VCF-style: chr1-36469189-A-G. GRCh37 (hg19) VCF-style: chr1-36934790-A-G.
Other names: c.1543T>C, p.Ser515Pro (NM_156039.3, NM_172313.3); short protein forms S515P.
Identifiers: ClinVar variation 3691945 (VCV003691945.2).
Genomic context (GRCh38, chr1:36,469,189, plus strand): 5'-TGGAAAGGGGCCTGATAGTTGACAAACCCATTTCTTGAGAGTAGGCATAGACATGCTGGG[A>G]GGGTCCCATGGTGTCCTGGTACAAGGGAGTCACGATGATCTCATAGAGCTGAAAGGGCCT-3'
Protein context (NP_000751.1, residues 505-525): TPLYQDTMGP[Ser515Pro]QHVYAYSQEM